The following is an entry in ClinVar:

ClinVar aggregate classification (germline): Likely benign. Review status: criteria provided, multiple submitters, no conflicts (2 of 4 stars). 4 submissions from 4 submitters: Likely benign (4). Last evaluated 2026-08-01.

Allele frequency attached by ClinVar (database versions not stated): 1000 Genomes Project 0.00020; ExAC 0.00006; gnomAD 0.00011; gnomAD exomes 0.00015; TOPMed 0.00015; 1000 Genomes Project 30x 0.00016.

Submissions (4):

CeGaT Center for Human Genetics Tuebingen
Classification: Likely benign. Last evaluated: 2026-08-01. Review status: criteria provided, single submitter. Criteria: CeGaT Center For Human Genetics Tuebingen Variant Classification Criteria Version 2. Collection method: clinical testing. Allele origin: germline. Affected: yes. Observed: 1 variant allele.
Comment: NAF1: BP4, BP7

Labcorp Genetics (formerly Invitae), Labcorp
Classification: Likely benign. Last evaluated: 2025-08-22. Review status: criteria provided, single submitter. Criteria: Invitae Variant Classification Sherloc (09022015). Collection method: clinical testing. Allele origin: germline.

Blueprint Genetics
Classification: Likely benign. Last evaluated: 2024-06-19. Review status: criteria provided, single submitter. Criteria: ACMG Guidelines, 2015. Collection method: clinical testing. Allele origin: germline.

Breakthrough Genomics
Classification: Likely benign. Review status: criteria provided, single submitter. Criteria: ACMG Guidelines, 2015. Collection method: not provided. Allele origin: germline. Inheritance: Unknown mechanism. Affected: yes.

NM_138386.3(NAF1):c.1233T>A (p.Ser411=)

Gene: NAF1 (nuclear assembly factor 1 ribonucleoprotein; minus strand). Cytogenetic location: 4q32.2.
Variant type: single nucleotide variant.
Coding change: c.1233T>A on transcript NM_138386.3 (MANE Select); coding-DNA position 1233, T replaced by A.
Protein change: p.Ser411=; no amino-acid change (serine 411 retained).
Molecular consequence: synonymous variant. On other transcripts: intron variant (1).
Genome position (GRCh38, 1-based): chr4:163,129,149, A>T on the plus strand (T>A on the coding strand, the complement: NAF1 is on the minus strand). VCF-style: chr4-163129149-A-T. GRCh37 (hg19) VCF-style: chr4-164050301-A-T.
Other names: c.1034-2034T>A (NM_001128931.2).
Identifiers: ClinVar variation 2167588 (VCV002167588.7), dbSNP rs145162198, ClinGen allele CA3126141.